The following is an entry in ClinVar:

ClinVar aggregate classification (germline): Uncertain significance (1 of 4 stars; one submission).

Conditions:
Cardiovascular phenotype. Identifiers: MedGen CN230736.

Submission:

Ambry Genetics
Classification: Uncertain significance for Cardiovascular phenotype. Last evaluated: 2026-07-21. Review status: criteria provided, single submitter. Criteria: Ambry Variant Classification Scheme 2023. Collection method: clinical testing. Allele origin: germline.
Comment: The p.K567T variant (also known as c.1700A>C), located in coding exon 13 of the DSP gene, results from an A to C substitution at nucleotide position 1700. The lysine at codon 567 is replaced by threonine, an amino acid with similar properties. This amino acid position is conserved. In addition, this alteration is predicted to be tolerated by in silico analysis. Based on the available evidence, the clinical significance of this variant remains unclear.

NM_004415.4(DSP):c.1700A>C (p.Lys567Thr)

Gene: DSP (desmoplakin; plus strand). Cytogenetic location: 6p24.3.
Variant type: single nucleotide variant.
Coding change: c.1700A>C on transcript NM_004415.4 (MANE Select); coding-DNA position 1700, A replaced by C.
Protein change: p.Lys567Thr; replaces lysine 567 with threonine.
Molecular consequence: missense variant.
Genome position (GRCh38, 1-based): chr6:7,570,562, A>C. VCF-style: chr6-7570562-A-C. GRCh37 (hg19) VCF-style: chr6-7570795-A-C.
Other names: c.1700A>C, p.Lys567Thr (NM_001008844.3, NM_001319034.2); short protein forms K567T.
Identifiers: ClinVar variation 5035652 (VCV005035652.1).
Genomic context (GRCh38, chr6:7,570,562, plus strand): 5'-TGGTGTCCTGGCACTACTGCATGATTGACATAGAGAAGATCAGGGCCATGACAATCGCCA[A>C]GGTATGTCCTCAGGGCCACTTAGGCTGCCTGGAGGGAGGGCAGCGCTGCCCCCCGCAGTG-3'
Protein context (NP_004406.2, residues 557-577): IEKIRAMTIA[Lys567Thr]LKTMRQEDYM